The following is an entry in ClinVar:

ClinVar aggregate classification (germline): Uncertain significance. Review status: criteria provided, multiple submitters, no conflicts (2 of 4 stars). 2 submissions from 2 submitters: Uncertain significance (2). Last evaluated 2025-07-16.

Conditions:
Immunodeficiency 39 (IMD39). Identifiers: Orphanet 574918, MedGen C4225358, MONDO:0014597, OMIM 616345.

Allele frequency attached by ClinVar (database versions not stated): gnomAD exomes 0.00006 and 0.00008; gnomAD 0.00007; TOPMed 0.00007; ExAC 0.00018.
gnomAD v4.1: 101 of 1,578,822 alleles (0.0064%); highest among the groups gnomAD compares: Middle Eastern, 0.017%; no homozygotes.

Submissions (2):

Labcorp Genetics (formerly Invitae), Labcorp
Classification: Uncertain significance for Immunodeficiency 39. Last evaluated: 2025-07-16. Review status: criteria provided, single submitter. Criteria: Invitae Variant Classification Sherloc (09022015). Collection method: clinical testing. Allele origin: germline.
Comment: This sequence change replaces proline, which is neutral and non-polar, with serine, which is neutral and polar, at codon 286 of the IRF7 protein (p.Pro286Ser). This variant is present in population databases (rs755167282, gnomAD 0.02%). This variant has not been reported in the literature in individuals affected with IRF7-related conditions. ClinVar contains an entry for this variant (Variation ID: 1441655). Invitae Evidence Modeling of protein sequence and biophysical properties (such as structural, functional, and spatial information, amino acid conservation, physicochemical variation, residue mobility, and thermodynamic stability) indicates that this missense variant is not expected to disrupt IRF7 protein function with a negative predictive value of 80%. In summary, the available evidence is currently insufficient to determine the role of this variant in disease. Therefore, it has been classified as a Variant of Uncertain Significance.

Ambry Genetics
Classification: Uncertain significance. Last evaluated: 2024-08-10. Review status: criteria provided, single submitter. Criteria: Ambry Variant Classification Scheme 2023. Collection method: clinical testing. Allele origin: germline.

NM_001572.5(IRF7):c.817C>T (p.Pro273Ser)

Gene: IRF7 (interferon regulatory factor 7; minus strand). Cytogenetic location: 11p15.5.
Variant type: single nucleotide variant.
Coding change: c.817C>T on transcript NM_001572.5 (MANE Select); coding-DNA position 817, C replaced by T.
Protein change: p.Pro273Ser; replaces proline 273 with serine.
Molecular consequence: missense variant.
Genome position (GRCh38, 1-based): chr11:613,815, G>A on the plus strand (C>T on the coding strand, the complement: IRF7 is on the minus strand). VCF-style: chr11-613815-G-A. GRCh37 (hg19) VCF-style: chr11-613815-G-A.
Other names: c.730C>T, p.Pro244Ser (NM_004029.4); c.856C>T, p.Pro286Ser (NM_004031.4); c.856C>T (NM_004031.2); short protein forms P286S, P273S, P244S.
Identifiers: ClinVar variation 1441655 (VCV001441655.7), dbSNP rs755167282, ClinGen allele CA5783732.